The following is an entry in ClinVar:

ClinVar aggregate classification (germline): Pathogenic (1 of 4 stars; one submission).

Conditions:
Infantile neuroaxonal dystrophy (NBIA2A). Also called: NEURODEGENERATION WITH BRAIN IRON ACCUMULATION 2A; SEITELBERGER DISEASE; Infantile neuroaxonal dystrophy 1. Identifiers: Orphanet 35069, MedGen C0270724, MONDO:0024457, OMIM 256600.

Submission:

Labcorp Genetics (formerly Invitae), Labcorp
Classification: Pathogenic for Infantile neuroaxonal dystrophy. Last evaluated: 2023-01-18. Review status: criteria provided, single submitter. Criteria: Invitae Variant Classification Sherloc (09022015). Collection method: clinical testing. Allele origin: unknown.
Comment: For these reasons, this variant has been classified as Pathogenic. This variant has not been reported in the literature in individuals affected with PLA2G6-related conditions. This variant is a gross deletion of the genomic region encompassing exon(s) 10-12 of the PLA2G6 gene. This deletion is out-of-frame, and is expected to create a premature termination codon and result in an absent or disrupted protein product. Loss-of-function variants in PLA2G6 are known to be pathogenic (PMID: 16783378, 18570303, 18799783, 22213678).

Literature cited by the submitters: PubMed 16783378; PubMed 18570303; PubMed 18799783; PubMed 22213678.

NC_000022.10:g.(?_38516746)_(38522476_?)del

Gene: PLA2G6 (phospholipase A2 group VI; minus strand). Cytogenetic location: 22q13.1.
Variant type: Deletion.
Identifiers: ClinVar variation 3247282 (VCV003247282.1).